The following is an entry in ClinVar:

NM_006415.4(SPTLC1):c.325C>T (p.Leu109Phe)

Gene: SPTLC1 (serine palmitoyltransferase long chain base subunit 1; minus strand). Cytogenetic location: 9q22.31.
Variant type: single nucleotide variant.
Coding change: c.325C>T on transcript NM_006415.4 (MANE Select); coding-DNA position 325, C replaced by T.
Protein change: p.Leu109Phe; replaces leucine 109 with phenylalanine.
Molecular consequence: missense variant. On other transcripts: 5 prime UTR variant (2).
Genome position (GRCh38, 1-based): chr9:92,080,899, G>A on the plus strand (C>T on the coding strand, the complement: SPTLC1 is on the minus strand). VCF-style: chr9-92080899-G-A. GRCh37 (hg19) VCF-style: chr9-94843181-G-A.
Other names: c.325C>T, p.Leu109Phe (NM_001281303.2, NM_178324.3); c.-175C>T (NM_001368272.1); c.-141C>T (NM_001368273.1); short protein forms L109F.
Identifiers: ClinVar variation 2100836 (VCV002100836.4), dbSNP rs781415154, ClinGen allele CA373788716.

ClinVar aggregate classification (germline): Uncertain significance (1 of 4 stars; one submission).

Conditions:
Hereditary sensory and autonomic neuropathy type 1 (HSAN1). Also called: HSAN 1; HSN Type I; Hereditary Sensory Neuropathy Type I. Identifiers: Orphanet 36386, MedGen C0020071, MONDO:0018213.

Submission:

Labcorp Genetics (formerly Invitae), Labcorp
Classification: Uncertain significance for Hereditary sensory and autonomic neuropathy type 1. Last evaluated: 2022-02-21. Review status: criteria provided, single submitter. Criteria: Invitae Variant Classification Sherloc (09022015). Collection method: clinical testing. Allele origin: germline.
Comment: In summary, the available evidence is currently insufficient to determine the role of this variant in disease. Therefore, it has been classified as a Variant of Uncertain Significance. Advanced modeling of protein sequence and biophysical properties (such as structural, functional, and spatial information, amino acid conservation, physicochemical variation, residue mobility, and thermodynamic stability) performed at Invitae indicates that this missense variant is expected to disrupt SPTLC1 protein function. This variant has not been reported in the literature in individuals affected with SPTLC1-related conditions. This variant is not present in population databases (gnomAD no frequency). This sequence change replaces leucine, which is neutral and non-polar, with phenylalanine, which is neutral and non-polar, at codon 109 of the SPTLC1 protein (p.Leu109Phe).